The following is an entry in ClinVar:

NM_014991.6(WDFY3):c.1570A>T (p.Thr524Ser)

Gene: WDFY3 (WD repeat and FYVE domain containing 3; minus strand). Cytogenetic location: 4q21.23.
Variant type: single nucleotide variant.
Coding change: c.1570A>T on transcript NM_014991.6 (MANE Select); coding-DNA position 1570, A replaced by T.
Protein change: p.Thr524Ser; replaces threonine 524 with serine.
Molecular consequence: missense variant.
Genome position (GRCh38, 1-based): chr4:84,821,105, T>A on the plus strand (A>T on the coding strand, the complement: WDFY3 is on the minus strand). VCF-style: chr4-84821105-T-A. GRCh37 (hg19) VCF-style: chr4-85742258-T-A.
Other names: short protein forms T524S.
Identifiers: ClinVar variation 3375673 (VCV003375673.1).

ClinVar aggregate classification (germline): Uncertain significance (1 of 4 stars; one submission).

Submission:

GeneDx
Classification: Uncertain significance. Last evaluated: 2024-05-09. Review status: criteria provided, single submitter. Criteria: GeneDx Variant Classification Process June 2021. Collection method: clinical testing. Allele origin: germline. Affected: yes.
Comment: Not observed at significant frequency in large population cohorts (gnomAD); In silico analysis indicates that this missense variant does not alter protein structure/function; Has not been previously published as pathogenic or benign to our knowledge